The following is an entry in ClinVar:

NM_001042492.3(NF1):c.1765C>A (p.Gln589Lys)

Gene: NF1 (neurofibromin 1; plus strand). Cytogenetic location: 17q11.2.
Variant type: single nucleotide variant.
Coding change: c.1765C>A on transcript NM_001042492.3 (MANE Select); coding-DNA position 1765, C replaced by A.
Protein change: p.Gln589Lys; replaces glutamine 589 with lysine.
Molecular consequence: missense variant.
Genome position (GRCh38, 1-based): chr17:31,223,487, C>A. VCF-style: chr17-31223487-C-A. GRCh37 (hg19) VCF-style: chr17-29550505-C-A.
Other names: c.1765C>A, p.Gln589Lys (NM_000267.4); short protein forms Q589K.
Identifiers: ClinVar variation 1015592 (VCV001015592.5), dbSNP rs1282299543, ClinGen allele CA399004208.

ClinVar aggregate classification (germline): Uncertain significance (1 of 4 stars; one submission).

Conditions:
Neurofibromatosis, type 1 (NF1). Also called: VON RECKLINGHAUSEN DISEASE; Neurofibromatosis, type I; NEUROFIBROMATOSIS, TYPE I, SOMATIC; Peripheral type neurofibromatosis. Identifiers: Orphanet 636, MedGen C0027831, MONDO:0018975, OMIM 162200. Disease mechanism: loss of function.

Submission:

Labcorp Genetics (formerly Invitae), Labcorp
Classification: Uncertain significance for Neurofibromatosis, type 1. Last evaluated: 2020-06-01. Review status: criteria provided, single submitter. Criteria: Invitae Variant Classification Sherloc (09022015). Collection method: clinical testing. Allele origin: germline.
Comment: This sequence change replaces glutamine with lysine at codon 589 of the NF1 protein (p.Gln589Lys). The glutamine residue is highly conserved and there is a small physicochemical difference between glutamine and lysine. This variant is not present in population databases (ExAC no frequency). This variant has not been reported in the literature in individuals with NF1-related conditions. Algorithms developed to predict the effect of missense changes on protein structure and function are either unavailable or do not agree on the potential impact of this missense change (SIFT: "Deleterious"; PolyPhen-2: "Benign"; Align-GVGD: "Class C0"). In summary, the available evidence is currently insufficient to determine the role of this variant in disease. Therefore, it has been classified as a Variant of Uncertain Significance.